The following is an entry in ClinVar:

NM_005560.6(LAMA5):c.9984C>T (p.Cys3328=)

Gene: LAMA5 (laminin subunit alpha 5; minus strand). Cytogenetic location: 20q13.33.
Variant type: single nucleotide variant.
Coding change: c.9984C>T on transcript NM_005560.6 (MANE Select); coding-DNA position 9984, C replaced by T.
Protein change: p.Cys3328=; no amino-acid change (cysteine 3328 retained).
Molecular consequence: synonymous variant.
Genome position (GRCh38, 1-based): chr20:62,311,266, G>A on the plus strand (C>T on the coding strand, the complement: LAMA5 is on the minus strand). VCF-style: chr20-62311266-G-A. GRCh37 (hg19) VCF-style: chr20-60886322-G-A.
Other names: c.9984C>T (NM_005560.4).
Identifiers: ClinVar variation 2061793 (VCV002061793.29), dbSNP rs149413796, ClinGen allele CA9939971.
Genomic context (GRCh38, chr20:62,311,266, plus strand): 5'-GGACAGGGAACCCCCAAACTGGTAGGAGTCTCGGGTGGTCCTGAGGTGTGGGGGCAGCAT[G>A]CAGGCAGGATGCCGGGCGGGCTGACGGCTGCGGCGGGAGGCCTGGGGGCGTGGATGGTGA-3'
Protein context (NP_005551.3, residues 3318-3338): RSRQPARHPA[Cys3328=]MLPPHLRTTR

ClinVar aggregate classification (germline): Likely benign. Review status: criteria provided, multiple submitters, no conflicts (2 of 4 stars). 4 submissions from 4 submitters: Likely benign (3). 1 of the submissions does not count toward it. Last evaluated 2025-08-10.

Conditions:
LAMA5-related disorder. Also called: LAMA5-related condition; LAMA5-Related Disorders.

Allele frequency attached by ClinVar (database versions not stated): gnomAD 0.00007; ESP Exome Variant Server 0.00008; gnomAD exomes 0.00011; TOPMed 0.00012; ExAC 0.00014.
gnomAD v4.1: 189 of 1,604,020 alleles (0.012%); highest among the groups gnomAD compares: Middle Eastern, 0.12%; no homozygotes.

Submissions (4):

Labcorp Genetics (formerly Invitae), Labcorp
Classification: Likely benign. Last evaluated: 2025-08-10. Review status: criteria provided, single submitter. Criteria: Invitae Variant Classification Sherloc (09022015). Collection method: clinical testing. Allele origin: germline.

Blueprint Genetics
Classification: Likely benign. Last evaluated: 2024-11-25. Review status: criteria provided, single submitter. Criteria: ACMG Guidelines, 2015. Collection method: clinical testing. Allele origin: germline.

CeGaT Center for Human Genetics Tuebingen
Classification: Likely benign. Last evaluated: 2024-03-01. Review status: criteria provided, single submitter. Criteria: CeGaT Center For Human Genetics Tuebingen Variant Classification Criteria Version 2. Collection method: clinical testing. Allele origin: germline. Affected: yes. Observed: 2 variant alleles.
Comment: LAMA5: BP7

PreventionGenetics, part of Exact Sciences
Classification: Likely benign for LAMA5-related condition. Last evaluated: 2019-12-31. Review status: no assertion criteria provided. Collection method: clinical testing. Allele origin: germline. Not counted in ClinVar's aggregate classification.
Comment: This variant is classified as likely benign based on ACMG/AMP sequence variant interpretation guidelines (Richards et al. 2015 PMID: 25741868, with internal and published modifications).